The following is an entry in ClinVar:

NM_207361.6(FREM2):c.9337A>G (p.Thr3113Ala)

Gene: FREM2 (FRAS1 related extracellular matrix 2; plus strand). Cytogenetic location: 13q13.3.
Variant type: single nucleotide variant.
Coding change: c.9337A>G on transcript NM_207361.6 (MANE Select); coding-DNA position 9337, A replaced by G.
Protein change: p.Thr3113Ala; replaces threonine 3113 with alanine.
Molecular consequence: missense variant.
Genome position (GRCh38, 1-based): chr13:38,880,614, A>G. VCF-style: chr13-38880614-A-G. GRCh37 (hg19) VCF-style: chr13-39454751-A-G.
Other names: short protein forms T3113A.
Identifiers: ClinVar variation 289291 (VCV000289291.18), dbSNP rs202106776, ClinGen allele CA6956363.

ClinVar aggregate classification (germline): Benign/Likely benign. Review status: criteria provided, multiple submitters, no conflicts (2 of 4 stars). 3 submissions from 3 submitters: Benign (1); Likely benign (1). 1 of the submissions does not count toward it. Last evaluated 2026-01-26.

Conditions:
FREM2-related disorder. Also called: FREM2-related condition.

Allele frequency attached by ClinVar (database versions not stated): gnomAD 0.00013 and 0.00014; 1000 Genomes Project 30x 0.00016; gnomAD exomes 0.00016 and 0.00085; 1000 Genomes Project 0.00020; TOPMed 0.00029; ExAC 0.00075.
gnomAD v4.1: 252 of 1,613,824 alleles (0.016%); highest among the groups gnomAD compares: Admixed American, 0.41%; 3 homozygotes.

Submissions (3):

Labcorp Genetics (formerly Invitae), Labcorp
Classification: Benign. Last evaluated: 2026-01-26. Review status: criteria provided, single submitter. Criteria: Invitae Variant Classification Sherloc (09022015). Collection method: clinical testing. Allele origin: germline.

Eurofins Ntd Llc (ga)
Classification: Likely benign. Last evaluated: 2016-08-04. Review status: criteria provided, single submitter. Criteria: EGL Classification Definitions 2015. Collection method: clinical testing. Allele origin: germline. Observed: 1 variant allele, 1 heterozygote.

PreventionGenetics, part of Exact Sciences
Classification: Likely benign for FREM2-related condition. Last evaluated: 2019-08-01. Review status: no assertion criteria provided. Collection method: clinical testing. Allele origin: germline. Not counted in ClinVar's aggregate classification.
Comment: This variant is classified as likely benign based on ACMG/AMP sequence variant interpretation guidelines (Richards et al. 2015 PMID: 25741868, with internal and published modifications).